The following is an entry in ClinVar:

NM_000093.5(COL5A1):c.3815C>T (p.Pro1272Leu)

Gene: COL5A1 (collagen type V alpha 1 chain; plus strand). Cytogenetic location: 9q34.3.
Variant type: single nucleotide variant.
Coding change: c.3815C>T on transcript NM_000093.5 (MANE Select); coding-DNA position 3815, C replaced by T.
Protein change: p.Pro1272Leu; replaces proline 1272 with leucine.
Molecular consequence: missense variant.
Genome position (GRCh38, 1-based): chr9:134,812,675, C>T. VCF-style: chr9-134812675-C-T. GRCh37 (hg19) VCF-style: chr9-137704521-C-T.
Other names: p.P1272L:CCA>CTA; c.3815C>T, p.Pro1272Leu (NM_001278074.1); short protein forms P1272L.
Identifiers: ClinVar variation 213050 (VCV000213050.5), dbSNP rs369684394, ClinGen allele CA323480.

ClinVar aggregate classification (germline): Uncertain significance. Review status: criteria provided, multiple submitters, no conflicts (2 of 4 stars). 2 submissions from 2 submitters: Uncertain significance (2). Last evaluated 2025-12-24.

Conditions:
Ehlers-Danlos syndrome, classic type, 1 (EDSCL1). Also called: Ehlers-Danlos Syndrome, Classic Type, COL5A1-Related; EHLERS-DANLOS SYNDROME, GRAVIS TYPE; EHLERS-DANLOS SYNDROME, SEVERE CLASSIC TYPE; Ehlers-Danlos syndrome, type 1; EDS I. Identifiers: MedGen C0268335, MONDO:0019567, OMIM 130000.

gnomAD v4.1: 2 of 1,592,408 alleles (0.00013%); highest among the groups gnomAD compares: Non-Finnish European, 0.00017%; no homozygotes.

Submissions (2):

Labcorp Genetics (formerly Invitae), Labcorp
Classification: Uncertain significance for Ehlers-Danlos syndrome, classic type, 1. Last evaluated: 2025-12-24. Review status: criteria provided, single submitter. Criteria: Invitae Variant Classification Sherloc (09022015). Collection method: clinical testing. Allele origin: germline.
Comment: This sequence change replaces proline, which is neutral and non-polar, with leucine, which is neutral and non-polar, at codon 1272 of the COL5A1 protein (p.Pro1272Leu). This variant is not present in population databases (gnomAD no frequency). This variant has not been reported in the literature in individuals affected with COL5A1-related conditions. ClinVar contains an entry for this variant (Variation ID: 213050). Invitae Evidence Modeling of protein sequence and biophysical properties (such as structural, functional, and spatial information, amino acid conservation, physicochemical variation, residue mobility, and thermodynamic stability) indicates that this missense variant is not expected to disrupt COL5A1 protein function with a negative predictive value of 95%. In summary, the available evidence is currently insufficient to determine the role of this variant in disease. Therefore, it has been classified as a Variant of Uncertain Significance.

GeneDx
Classification: Uncertain significance. Last evaluated: 2014-10-31. Review status: criteria provided, single submitter. Criteria: GeneDx Variant Classification (06012015). Collection method: clinical testing. Allele origin: germline. Affected: yes.
Comment: p.Pro1272Leu (CCA>CTA): c.3815 C>T in exon 48 of the COL5A1 gene (NM_000093.3) The P1272L variant has not been published as a mutation, nor has it been reported as a benign polymorphism to our knowledge. The P1272L variant was not observed in approximately 6,500 individuals of European and African American ancestry in the NHLBI Exome Sequencing Project, indicating it is not a common benign variant in these populations. The P1272L variant is a semi-conservative amino acid substitution, which may impact secondary protein structure as these residues differ in some properties. This substitution occurs at a position that is highly conserved across species. In silico analysis predicts this variant is probably damaging to the protein structure/function. However, missense mutations in nearby residues have not been reported indicating this region of the protein may tolerate change. Therefore, based on the currently available information, it is unclear whether this variant is a pathogenic mutation or a rare benign variant. his variant was found in TAAD